The following is an entry in ClinVar:

ClinVar aggregate classification (germline): Uncertain significance. Review status: criteria provided, multiple submitters, no conflicts (2 of 4 stars). 2 submissions from 2 submitters: Uncertain significance (2). Last evaluated 2024-12-05.

Conditions:
MYH9-related disorder. Identifiers: MedGen C1854520.

Submissions (2):

Labcorp Genetics (formerly Invitae), Labcorp
Classification: Uncertain significance. Last evaluated: 2024-12-05. Review status: criteria provided, single submitter. Criteria: Invitae Variant Classification Sherloc (09022015). Collection method: clinical testing. Allele origin: germline.
Comment: This sequence change replaces methionine, which is neutral and non-polar, with arginine, which is basic and polar, at codon 1510 of the MYH9 protein (p.Met1510Arg). This variant is not present in population databases (gnomAD no frequency). This missense change has been observed in individual(s) with clinical features of MYH9-related conditions (PMID: 31064749). ClinVar contains an entry for this variant (Variation ID: 627311). Invitae Evidence Modeling of protein sequence and biophysical properties (such as structural, functional, and spatial information, amino acid conservation, physicochemical variation, residue mobility, and thermodynamic stability) indicates that this missense variant is not expected to disrupt MYH9 protein function with a negative predictive value of 95%. In summary, the available evidence is currently insufficient to determine the role of this variant in disease. Therefore, it has been classified as a Variant of Uncertain Significance.

NIHR Bioresource Rare Diseases, University of Cambridge
Classification: Uncertain significance for MYH9-related disorder. Last evaluated: 2019-02-01. Review status: criteria provided, single submitter. Criteria: ACMG Guidelines, 2015. Collection method: research. Allele origin: unknown. Affected: yes. Observed: 1 heterozygote. Study: ThromboGenomics.

Literature cited by the submitters: PubMed 31064749 (cited by Labcorp Genetics (formerly Invitae), Labcorp and NIHR Bioresource Rare Diseases, University of Cambridge).

NM_002473.6(MYH9):c.4529T>G (p.Met1510Arg)

Gene: MYH9 (myosin heavy chain 9; minus strand). Cytogenetic location: 22q12.3.
Variant type: single nucleotide variant.
Coding change: c.4529T>G on transcript NM_002473.6 (MANE Select); coding-DNA position 4529, T replaced by G.
Protein change: p.Met1510Arg; replaces methionine 1510 with arginine.
Molecular consequence: missense variant.
Genome position (GRCh38, 1-based): chr22:36,289,113, A>C on the plus strand (T>G on the coding strand, the complement: MYH9 is on the minus strand). VCF-style: chr22-36289113-A-C. GRCh37 (hg19) VCF-style: chr22-36685159-A-C.
Other names: short protein forms M1510R.
Identifiers: ClinVar variation 627311 (VCV000627311.3), dbSNP rs1603482803, ClinGen allele CA411379725.